The following is an entry in ClinVar:

ClinVar aggregate classification (germline): Conflicting classifications of pathogenicity. Review status: criteria provided, conflicting classifications (1 of 4 stars). 7 submissions from 7 submitters: Uncertain significance (4); Likely benign (3). Last evaluated 2026-07-01.

Conditions:
Hereditary hemorrhagic telangiectasia (HHT). Also called: Osler hemorrhagic telangiectasia syndrome; ORW DISEASE; Osler Weber Rendu syndrome; OSLER-RENDU-WEBER DISEASE. Identifiers: Orphanet 774, MedGen C0039445, MONDO:0019180. Disease mechanism: loss of function.
Telangiectasia, hereditary hemorrhagic, type 1 (HHT1). Also called: Osler Weber Rendu syndrome type 1; ENG-Related Hereditary Hemorrhagic Telangiectasia. Identifiers: Orphanet 774, MedGen C4551861, MONDO:0008535, OMIM 187300. Disease mechanism: loss of function.

Allele frequency attached by ClinVar (database versions not stated): TOPMed 0.00004; gnomAD 0.00005 and 0.00006; ExAC 0.00008; gnomAD exomes 0.00008.
gnomAD v4.1: 128 of 1,613,900 alleles (0.0079%); highest among the groups gnomAD compares: Non-Finnish European, 0.0095%; no homozygotes.

Submissions (7):

CeGaT Center for Human Genetics Tuebingen
Classification: Likely benign. Last evaluated: 2026-07-01. Review status: criteria provided, single submitter. Criteria: CeGaT Center For Human Genetics Tuebingen Variant Classification Criteria Version 2. Collection method: clinical testing. Allele origin: germline. Affected: yes. Observed: 1 variant allele.
Comment: ENG: BP4, BP7

Labcorp Genetics (formerly Invitae), Labcorp
Classification: Uncertain significance for Hereditary hemorrhagic telangiectasia. Last evaluated: 2024-12-12. Review status: criteria provided, single submitter. Criteria: Invitae Variant Classification Sherloc (09022015). Collection method: clinical testing. Allele origin: germline.
Comment: This sequence change affects codon 120 of the ENG mRNA. It is a 'silent' change, meaning that it does not change the encoded amino acid sequence of the ENG protein. It affects a nucleotide within the consensus splice site. This variant is present in population databases (rs121918402, gnomAD 0.01%). This variant has been observed in individual(s) with hereditary hemorrhagic telangiectasia (PMID: 20414677). ClinVar contains an entry for this variant (Variation ID: 528068). Algorithms developed to predict the effect of sequence changes on RNA splicing suggest that this variant is not likely to affect RNA splicing. In summary, the available evidence is currently insufficient to determine the role of this variant in disease. Therefore, it has been classified as a Variant of Uncertain Significance.

Blueprint Genetics
Classification: Likely benign. Last evaluated: 2022-10-25. Review status: criteria provided, single submitter. Criteria: ACMG Guidelines, 2015. Collection method: clinical testing. Allele origin: germline.

GeneDx
Classification: Likely benign. Last evaluated: 2022-05-19. Review status: criteria provided, single submitter. Criteria: GeneDx Variant Classification Process June 2021. Collection method: clinical testing. Allele origin: germline. Affected: yes.
Comment: See Variant Classification Assertion Criteria.

Fulgent Genetics
Classification: Uncertain significance for Telangiectasia, hereditary hemorrhagic, type 1. Last evaluated: 2022-01-20. Review status: criteria provided, single submitter. Criteria: ACMG Guidelines, 2015. Collection method: clinical testing. Allele origin: unknown.

Illumina Laboratory Services, Illumina
Classification: Uncertain significance for Telangiectasia, hereditary hemorrhagic, type 1. Last evaluated: 2018-03-30. Review status: criteria provided, single submitter. Criteria: ICSL Variant Classification Criteria 13 December 2019. Collection method: clinical testing. Allele origin: germline.

Breakthrough Genomics
Classification: Uncertain significance. Review status: criteria provided, single submitter. Criteria: ACMG Guidelines, 2015. Collection method: not provided. Allele origin: germline. Inheritance: Autosomal dominant inheritance. Affected: yes.

Literature cited by the submitters: PubMed 20414677 (cited by Labcorp Genetics (formerly Invitae), Labcorp).

NM_001114753.3(ENG):c.360C>T (p.Tyr120=)

Gene: ENG (endoglin; minus strand). Cytogenetic location: 9q34.11.
Variant type: single nucleotide variant.
Coding change: c.360C>T on transcript NM_001114753.3 (MANE Select); coding-DNA position 360, C replaced by T.
Protein change: p.Tyr120=; no amino-acid change (tyrosine 120 retained).
Molecular consequence: synonymous variant. On other transcripts: 5 prime UTR variant (1).
Genome position (GRCh38, 1-based): chr9:127,829,687, G>A on the plus strand (C>T on the coding strand, the complement: ENG is on the minus strand). VCF-style: chr9-127829687-G-A. GRCh37 (hg19) VCF-style: chr9-130591966-G-A.
Other names: c.360C>T (NM_000118.2); c.360C>T, p.Tyr120= (NM_000118.4, NM_001406715.1); c.-187C>T (NM_001278138.2).
Identifiers: ClinVar variation 528068 (VCV000528068.16), dbSNP rs121918402, ClinGen allele CA5253152.